The following is an entry in ClinVar:

ClinVar aggregate classification (germline): Conflicting classifications of pathogenicity. Review status: criteria provided, conflicting classifications (1 of 4 stars). 4 submissions from 4 submitters: Uncertain significance (2); Likely benign (2). Last evaluated 2025-03-31.

Conditions:
Inborn genetic diseases. Identifiers: MedGen C0950123, MeSH D030342.
KBG syndrome (KBGS). Also called: ANKRD11-Related KBG Syndrome. Identifiers: Orphanet 2332, MedGen C0220687, MONDO:0007846, OMIM 148050.

Allele frequency attached by ClinVar (database versions not stated): gnomAD 0.00007 and 0.00008; ESP Exome Variant Server 0.00009.
gnomAD v4.1: 148 of 1,579,126 alleles (0.0094%); highest among the groups gnomAD compares: Non-Finnish European, 0.012%; no homozygotes.

Submissions (4):

Labcorp Genetics (formerly Invitae), Labcorp
Classification: Uncertain significance for KBG syndrome. Last evaluated: 2025-03-31. Review status: criteria provided, single submitter. Criteria: Invitae Variant Classification Sherloc (09022015). Collection method: clinical testing. Allele origin: germline.
Comment: This sequence change replaces lysine, which is basic and polar, with threonine, which is neutral and polar, at codon 2038 of the ANKRD11 protein (p.Lys2038Thr). This variant is present in population databases (rs370006772, gnomAD 0.02%). This variant has not been reported in the literature in individuals affected with ANKRD11-related conditions. ClinVar contains an entry for this variant (Variation ID: 1187441). Invitae Evidence Modeling of protein sequence and biophysical properties (such as structural, functional, and spatial information, amino acid conservation, physicochemical variation, residue mobility, and thermodynamic stability) indicates that this missense variant is not expected to disrupt ANKRD11 protein function with a negative predictive value of 95%. In summary, the available evidence is currently insufficient to determine the role of this variant in disease. Therefore, it has been classified as a Variant of Uncertain Significance.

Blueprint Genetics
Classification: Likely benign. Last evaluated: 2024-09-30. Review status: criteria provided, single submitter. Criteria: ACMG Guidelines, 2015. Collection method: clinical testing. Allele origin: germline.

GeneDx
Classification: Likely benign. Last evaluated: 2021-05-07. Review status: criteria provided, single submitter. Criteria: GeneDx Variant Classification Process June 2021. Collection method: clinical testing. Allele origin: germline. Affected: yes.

Ambry Genetics
Classification: Uncertain significance for Inborn genetic diseases. Last evaluated: 2018-01-03. Review status: criteria provided, single submitter. Criteria: Ambry Variant Classification Scheme 2023. Collection method: clinical testing. Allele origin: germline.
Comment: The p.K2038T variant (also known as c.6113A>C), located in coding exon 7 of the ANKRD11 gene, results from an A to C substitution at nucleotide position 6113. The lysine at codon 2038 is replaced by threonine, an amino acid with similar properties. This amino acid position is highly conserved in available vertebrate species. In addition, this alteration is predicted to be tolerated by in silico analysis. Since supporting evidence is limited at this time, the clinical significance of this alteration remains unclear.

NM_013275.6(ANKRD11):c.6113A>C (p.Lys2038Thr)

Gene: ANKRD11 (ankyrin repeat domain 11; minus strand). Cytogenetic location: 16q24.3.
Variant type: single nucleotide variant.
Coding change: c.6113A>C on transcript NM_013275.6 (MANE Select); coding-DNA position 6113, A replaced by C.
Protein change: p.Lys2038Thr; replaces lysine 2038 with threonine.
Molecular consequence: missense variant.
Genome position (GRCh38, 1-based): chr16:89,280,429, T>G on the plus strand (A>C on the coding strand, the complement: ANKRD11 is on the minus strand). VCF-style: chr16-89280429-T-G. GRCh37 (hg19) VCF-style: chr16-89346837-T-G.
Other names: c.6113A>C, p.Lys2038Thr (NM_001256182.2, NM_001256183.2); short protein forms K2038T.
Identifiers: ClinVar variation 1187441 (VCV001187441.9), dbSNP rs370006772, ClinGen allele CA8241580.